The following is an entry in ClinVar:

NM_001389.5(DSCAM):c.5373G>A (p.Ser1791=)

Gene: DSCAM (DS cell adhesion molecule; minus strand). Cytogenetic location: 21q22.2.
Variant type: single nucleotide variant.
Coding change: c.5373G>A on transcript NM_001389.5 (MANE Select); coding-DNA position 5373, G replaced by A.
Protein change: p.Ser1791=; no amino-acid change (serine 1791 retained).
Molecular consequence: synonymous variant. On other transcripts: non-coding transcript variant (1).
Genome position (GRCh38, 1-based): chr21:40,044,088, C>T on the plus strand (G>A on the coding strand, the complement: DSCAM is on the minus strand). VCF-style: chr21-40044088-C-T. GRCh37 (hg19) VCF-style: chr21-41416015-C-T.
Other names: c.5373G>A, p.Ser1791= (NM_001271534.3); c.*466G>A (NM_206887.1).
Identifiers: ClinVar variation 3048065 (VCV003048065.2), dbSNP rs200612082, ClinGen allele CA10030349.
Genomic context (GRCh38, chr21:40,044,088, plus strand): 5'-CGGGGGCCGTGCTGGTCCCCAGGGACGGAGGAGGCAGCGTCAGGGCCTACCTGTGTCTTG[C>T]GAGGGGCTGACGCTGTAACTGTCGCTCTCTTTGTCTACTGATCCTGCAGCCCTGGGTGTT-3'
Protein context (NP_001380.2, residues 1781-1801): KESDSYSVSP[Ser1791=]QDTDRARSSM

ClinVar aggregate classification (germline): Likely benign (0 of 4 stars; one submission).

Conditions:
DSCAM-related disorder. Also called: DSCAM-related condition.

Allele frequency attached by ClinVar (database versions not stated): ExAC 0.00002; gnomAD 0.00005.
gnomAD v4.1: 31 of 1,613,390 alleles (0.0019%); highest among the groups gnomAD compares: Admixed American, 0.015%; 1 homozygote.

Submission:

PreventionGenetics, part of Exact Sciences
Classification: Likely benign for DSCAM-related condition. Last evaluated: 2019-12-04. Review status: no assertion criteria provided. Collection method: clinical testing. Allele origin: germline.
Comment: This variant is classified as likely benign based on ACMG/AMP sequence variant interpretation guidelines (Richards et al. 2015 PMID: 25741868, with internal and published modifications).